The following is an entry in ClinVar:

ClinVar aggregate classification (germline): Benign (0 of 4 stars; one submission).

Conditions:
MCM6-related disorder. Also called: MCM6-related condition.

Allele frequency attached by ClinVar (database versions not stated): ExAC 0.00044; 1000 Genomes Project 30x 0.00094; 1000 Genomes Project 0.00100.
gnomAD v4.1: 136 of 1,600,564 alleles (0.0085%); highest among the groups gnomAD compares: East Asian, 0.25%; no homozygotes.

Submission:

PreventionGenetics, part of Exact Sciences
Classification: Benign for MCM6-related condition. Last evaluated: 2019-08-15. Review status: no assertion criteria provided. Collection method: clinical testing. Allele origin: germline.
Comment: This variant is classified as benign based on ACMG/AMP sequence variant interpretation guidelines (Richards et al. 2015 PMID: 25741868, with internal and published modifications).

NM_005915.6(MCM6):c.-8A>G

Gene: MCM6 (minichromosome maintenance complex component 6; minus strand). Cytogenetic location: 2q21.3.
Variant type: single nucleotide variant.
Coding change: c.-8A>G on transcript NM_005915.6 (MANE Select); 8 bases upstream of the start codon, A replaced by G.
Molecular consequence: 5 prime UTR variant.
Genome position (GRCh38, 1-based): chr2:135,876,373, T>C on the plus strand (A>G on the coding strand, the complement: MCM6 is on the minus strand). VCF-style: chr2-135876373-T-C. GRCh37 (hg19) VCF-style: chr2-136633943-T-C.
Identifiers: ClinVar variation 3052346 (VCV003052346.2), dbSNP rs188565779, ClinGen allele CA1889408.